The following is an entry in ClinVar:

ClinVar aggregate classification (germline): Uncertain significance (1 of 4 stars; one submission).

Conditions:
Neuropathy, hereditary sensory, type 2C. Also called: KIF1A-Related HSAN2 (HSAN2C); Hereditary sensory and autonomic neuropathy type IIC. Identifiers: Orphanet 970, MedGen C3280168, MONDO:0013634, OMIM 614213.
Intellectual disability, autosomal dominant 9 (NESCAVS). Also called: NESCAV SYNDROME; KIF1A-Related Neurodevelopmental Disorder. Identifiers: Orphanet 662367, MedGen C5393830, MONDO:0013656, OMIM 614255.
Hereditary spastic paraplegia 30. Identifiers: Orphanet 101010, MedGen C5235139, MONDO:0012476.

Submission:

Labcorp Genetics (formerly Invitae), Labcorp
Classification: Uncertain significance for Hereditary spastic paraplegia 30; Neuropathy, hereditary sensory, type 2C; Intellectual disability, autosomal dominant 9. Last evaluated: 2019-08-30. Review status: criteria provided, single submitter. Criteria: Invitae Variant Classification Sherloc (09022015). Collection method: clinical testing. Allele origin: germline.
Comment: In summary, the available evidence is currently insufficient to determine the role of this variant in disease. Therefore, it has been classified as a Variant of Uncertain Significance. Algorithms developed to predict the effect of missense changes on protein structure and function are either unavailable or do not agree on the potential impact of this missense change (SIFT: "Deleterious"; PolyPhen-2: "Possibly Damaging"; Align-GVGD: "Class C0"). This variant has not been reported in the literature in individuals with KIF1A-related conditions. This variant is not present in population databases (ExAC no frequency). This sequence change replaces glutamic acid with lysine at codon 742 of the KIF1A protein (p.Glu742Lys). The glutamic acid residue is highly conserved and there is a small physicochemical difference between glutamic acid and lysine.

NM_001244008.2(KIF1A):c.2251G>A (p.Glu751Lys)

Gene: KIF1A (kinesin family member 1A; minus strand). Cytogenetic location: 2q37.3.
Variant type: single nucleotide variant.
Coding change: c.2251G>A on transcript NM_001244008.2 (MANE Select); coding-DNA position 2251, G replaced by A.
Protein change: p.Glu751Lys; replaces glutamic acid 751 with lysine.
Molecular consequence: missense variant.
Genome position (GRCh38, 1-based): chr2:240,761,243, C>T on the plus strand (G>A on the coding strand, the complement: KIF1A is on the minus strand). VCF-style: chr2-240761243-C-T. GRCh37 (hg19) VCF-style: chr2-241700660-C-T.
Other names: c.2251G>A, p.Glu751Lys (NM_001320705.2, NM_001330289.2, NM_001379638.1); c.2326G>A, p.Glu776Lys (NM_001330290.2, NM_001379631.1, NM_001379634.1 and 2 more transcripts); c.2224G>A, p.Glu742Lys (NM_001379632.1, NM_001379633.1, NM_001379636.1 and 10 more transcripts); c.2299G>A, p.Glu767Lys (NM_001379637.1, NM_001379648.1); short protein forms E767K, E742K, E751K, E776K.
Identifiers: ClinVar variation 934056 (VCV000934056.10), dbSNP rs2050492597, ClinGen allele CA351325337.